The following is an entry in ClinVar:

ClinVar aggregate classification (germline): Uncertain significance (1 of 4 stars; one submission).

Conditions:
Neurodevelopmental disorder with hypotonia, stereotypic hand movements, and impaired language. Also called: Intellectual disability, autosomal dominant 20. Identifiers: Orphanet 228384, Orphanet 664410, MedGen C3150700, MONDO:0013266, OMIM 613443.

Submission:

Labcorp Genetics (formerly Invitae), Labcorp
Classification: Uncertain significance for Neurodevelopmental disorder with hypotonia, stereotypic hand movements, and impaired language. Last evaluated: 2021-12-18. Review status: criteria provided, single submitter. Criteria: Invitae Variant Classification Sherloc (09022015). Collection method: clinical testing. Allele origin: germline.
Comment: This variant has not been reported in the literature in individuals affected with MEF2C-related conditions. This sequence change replaces leucine, which is neutral and non-polar, with histidine, which is basic and polar, at codon 380 of the MEF2C protein (p.Leu380His). This variant is not present in population databases (gnomAD no frequency). Algorithms developed to predict the effect of missense changes on protein structure and function are either unavailable or do not agree on the potential impact of this missense change (SIFT: "Tolerated"; PolyPhen-2: "Probably Damaging"; Align-GVGD: "Class C0"). In summary, the available evidence is currently insufficient to determine the role of this variant in disease. Therefore, it has been classified as a Variant of Uncertain Significance.

NM_002397.5(MEF2C):c.1139T>A (p.Leu380His)

Gene: MEF2C (myocyte enhancer factor 2C; minus strand). Cytogenetic location: 5q14.3.
Variant type: single nucleotide variant.
Coding change: c.1139T>A on transcript NM_002397.5 (MANE Select); coding-DNA position 1139, T replaced by A.
Protein change: p.Leu380His; replaces leucine 380 with histidine.
Molecular consequence: missense variant. On other transcripts: intron variant (24).
Genome position (GRCh38, 1-based): chr5:88,722,887, A>T on the plus strand (T>A on the coding strand, the complement: MEF2C is on the minus strand). VCF-style: chr5-88722887-A-T. GRCh37 (hg19) VCF-style: chr5-88018704-A-T.
Other names: c.1109T>A, p.Leu370His (NM_001131005.2); c.1169T>A, p.Leu390His (NM_001193347.1); c.971T>A, p.Leu324His (NM_001193348.1); c.1139T>A, p.Leu380His (NM_001193350.2, NM_001364329.2, NM_001364330.2 and 1 more transcripts); c.1115T>A, p.Leu372His (NM_001308002.3, NM_001364333.2); c.995T>A, p.Leu332His (NM_001364344.2); c.761T>A, p.Leu254His (NM_001364353.2); c.1101-58T>A (NM_001364334.2, NM_001364335.2, NM_001364337.2 and 2 more transcripts); and 10 more; short protein forms L332H, L372H, L390H, L254H, L324H, L370H, L380H.
Identifiers: ClinVar variation 1943494 (VCV001943494.5), dbSNP rs2546731410, ClinGen allele CA360422378.